The following is an entry in ClinVar:

NM_004484.4(GPC3):c.1379_1382del (p.Ser460fs)

Gene: GPC3 (glypican 3; minus strand). Cytogenetic location: Xq26.2.
Variant type: Microsatellite.
Coding change: c.1379_1382del on transcript NM_004484.4 (MANE Select); coding-DNA positions 1379 to 1382, 4 bases deleted (GTCA; older notation c.1379_1382delGTCA).
Protein change: p.Ser460fs; shifts the reading frame from serine 460.
Molecular consequence: frameshift variant.
Genome position (GRCh38, 1-based): chrX:133,661,761-133,661,764, TGAC deleted on the plus strand (GTCA on the coding strand, the reverse complement: GPC3 is on the minus strand); deleting any 4 consecutive bases within chrX:133,661,761-133,661,768 gives the same sequence; the c. name uses the placement nearest the transcript's 3' end. VCF-style (leftmost placement, unchanged base first): chrX-133661760-TTGAC-T. GRCh37 (hg19) VCF-style: chrX-132795788-TTGAC-T.
Other names: c.1448_1451del, p.Ser483fs (NM_001164617.2); c.1331_1334del, p.Ser444fs (NM_001164618.2); c.1217_1220del, p.Ser406fs (NM_001164619.2); short protein forms S460fs, S483fs, S406fs, S444fs.
Identifiers: ClinVar variation 1453391 (VCV001453391.6), dbSNP rs2124401794, ClinGen allele CA2580612488.

ClinVar aggregate classification (germline): Pathogenic (1 of 4 stars; one submission).

Conditions:
Wilms tumor 1 (WT1). Also called: Wilms tumor, somatic. Identifiers: Orphanet 654, MedGen CN033288, MONDO:0008679, OMIM 194070.

Submission:

Labcorp Genetics (formerly Invitae), Labcorp
Classification: Pathogenic for Wilms tumor 1. Last evaluated: 2022-08-15. Review status: criteria provided, single submitter. Criteria: Invitae Variant Classification Sherloc (09022015). Collection method: clinical testing. Allele origin: germline.
Comment: This variant is not present in population databases (gnomAD no frequency). This variant has not been reported in the literature in individuals affected with GPC3-related conditions. For these reasons, this variant has been classified as Pathogenic. This sequence change creates a premature translational stop signal (p.Ser460Lysfs*6) in the GPC3 gene. It is expected to result in an absent or disrupted protein product. Loss-of-function variants in GPC3 are known to be pathogenic (PMID: 10402475, 12713262, 17603795).

Literature cited by the submitters: PubMed 10402475; PubMed 12713262; PubMed 17603795.